The following is an entry in ClinVar:

NM_006846.4(SPINK5):c.3018T>A (p.Cys1006Ter)

Gene: SPINK5 (serine peptidase inhibitor Kazal type 5; plus strand). Cytogenetic location: 5q32.
Variant type: single nucleotide variant.
Coding change: c.3018T>A on transcript NM_006846.4 (MANE Select); coding-DNA position 3018, T replaced by A.
Protein change: p.Cys1006Ter; replaces cysteine 1006 with a stop codon.
Molecular consequence: nonsense.
Genome position (GRCh38, 1-based): chr5:148,131,312, T>A. VCF-style: chr5-148131312-T-A. GRCh37 (hg19) VCF-style: chr5-147510875-T-A.
Other names: c.3108T>A, p.Cys1036Ter (NM_001127698.2); short protein forms C1006*, C1036*.
Identifiers: ClinVar variation 459574 (VCV000459574.14), dbSNP rs766978225, ClinGen allele CA3496223.

ClinVar aggregate classification (germline): Pathogenic/Likely pathogenic. Review status: criteria provided, multiple submitters, no conflicts (2 of 4 stars). 4 submissions from 4 submitters: Pathogenic (1); Likely pathogenic (3). Last evaluated 2025-08-09.

Conditions:
Ichthyosis linearis circumflexa. Identifiers: MedGen C0265962, MONDO:0043106, HP:0025810.
SPINK5-related disorder. Also called: SPINK5-related condition.
Netherton syndrome (NETH). Also called: NETHERTON DISEASE; ERYTHRODERMA, ICHTHYOSIFORM, WITH HYPOTRICHOSIS AND HYPER-IgE; COMEL-NETHERTON SYNDROME. Identifiers: Orphanet 634, MedGen C5574950, MONDO:0009735, OMIM 256500.

Allele frequency attached by ClinVar (database versions not stated): gnomAD exomes below 0.00001 and 0.00001; ExAC 0.00001; TOPMed 0.00001; gnomAD 0.00002.
gnomAD v4.1: 25 of 1,613,810 alleles (0.0015%); highest among the groups gnomAD compares: Admixed American, 0.0033%; no homozygotes.

Submissions (4):

Labcorp Genetics (formerly Invitae), Labcorp
Classification: Pathogenic for Ichthyosis linearis circumflexa. Last evaluated: 2025-08-09. Review status: criteria provided, single submitter. Criteria: Invitae Variant Classification Sherloc (09022015). Collection method: clinical testing. Allele origin: germline.
Comment: This sequence change creates a premature translational stop signal (p.Cys1006*) in the SPINK5 gene. It is expected to result in an absent or disrupted protein product. Loss-of-function variants in SPINK5 are known to be pathogenic (PMID: 11511292, 11841556). This variant is present in population databases (rs766978225, gnomAD 0.004%). This variant has not been reported in the literature in individuals affected with SPINK5-related conditions. ClinVar contains an entry for this variant (Variation ID: 459574). For these reasons, this variant has been classified as Pathogenic.

Dasa
Classification: Likely pathogenic. Last evaluated: 2025-05-26. Review status: criteria provided, single submitter. Criteria: DASA Assertion Criteria. Collection method: clinical testing. Allele origin: germline.
Comment: NM_006846.4(SPINK5):c.3018T>A (p.Cys1006*) is a nonsense variant in SPINK5 predicted to introduce a premature termination codon and is predicted to result in an absent or altered protein product. Loss of function is an established disease mechanism for SPINK5-associated disorders. Also, this variant is rare in population databases. Based on the currently available evidence, this variant is classified as likely pathogenic.

Fulgent Genetics
Classification: Likely pathogenic for Netherton syndrome. Last evaluated: 2024-05-15. Review status: criteria provided, single submitter. Criteria: ACMG Guidelines, 2015. Collection method: clinical testing. Allele origin: germline.

Blueprint Genetics
Classification: Likely pathogenic for SPINK5-related disorders. Last evaluated: 2019-09-20. Review status: criteria provided, single submitter. Criteria: ACMG Guidelines, 2015. Collection method: clinical testing. Allele origin: germline. Affected: yes. Observed: 1 variant allele.

Literature cited by the submitters: PubMed 11511292 (cited by Labcorp Genetics (formerly Invitae), Labcorp); PubMed 11841556 (cited by Labcorp Genetics (formerly Invitae), Labcorp).